The following is an entry in ClinVar:

ClinVar aggregate classification (germline): Uncertain significance (1 of 4 stars; one submission).

Conditions:
Hyperprolinemia type 2 (HYRPRO2). Also called: Delta-1-pyrroline-5-carboxylate dehydrogenase deficiency; Deficiency of pyrroline-5-carboxylate reductase; 1-PYRROLINE-5-CARBOXYLATE DEHYDROGENASE DEFICIENCY. Identifiers: Orphanet 79101, MedGen C2931835, MONDO:0009401, OMIM 239510.

Submission:

Labcorp Genetics (formerly Invitae), Labcorp
Classification: Uncertain significance for Hyperprolinemia type 2. Last evaluated: 2019-10-20. Review status: criteria provided, single submitter. Criteria: Invitae Variant Classification Sherloc (09022015). Collection method: clinical testing. Allele origin: germline.
Comment: In summary, the available evidence is currently insufficient to determine the role of this variant in disease. Therefore, it has been classified as a Variant of Uncertain Significance. Algorithms developed to predict the effect of missense changes on protein structure and function (SIFT, PolyPhen-2, Align-GVGD) all suggest that this variant is likely to be disruptive, but these predictions have not been confirmed by published functional studies and their clinical significance is uncertain. This variant has not been reported in the literature in individuals with ALDH4A1-related conditions. This variant is not present in population databases (ExAC no frequency). This sequence change replaces glycine with arginine at codon 450 of the ALDH4A1 protein (p.Gly450Arg). The glycine residue is highly conserved and there is a moderate physicochemical difference between glycine and arginine.

NM_003748.4(ALDH4A1):c.1348G>A (p.Gly450Arg)

Genes: ALDH4A1 (aldehyde dehydrogenase 4 family member A1; minus strand), LOC120893116 (Sharpr-MPRA regulatory region 7483; plus strand). Cytogenetic location: 1p36.13.
Variant type: single nucleotide variant.
Coding change: c.1348G>A on transcript NM_003748.4 (MANE Select); coding-DNA position 1348, G replaced by A.
Protein change: p.Gly450Arg; replaces glycine 450 with arginine.
Molecular consequence: missense variant.
Genome position (GRCh38, 1-based): chr1:18,875,494, C>T on the plus strand (G>A on the coding strand, the complement: ALDH4A1 is on the minus strand). VCF-style: chr1-18875494-C-T. GRCh37 (hg19) VCF-style: chr1-19201988-C-T.
Other names: c.1168G>A, p.Gly390Arg (NM_001161504.2); c.1195G>A, p.Gly399Arg (NM_001319218.2); c.1348G>A, p.Gly450Arg (NM_170726.3); short protein forms G390R, G399R, G450R.
Identifiers: ClinVar variation 971226 (VCV000971226.10), dbSNP rs1156594126, ClinGen allele CA338747118.
Genomic context (GRCh38, chr1:18,875,494, plus strand): 5'-CCAGCTGCAGCGTCTCCTTGTACTTGTCATCCGGGTAGACGTACACAGACAGTACAGGCC[C>T]GAAGATCTCCTAGGAGAGAGGCCCCGGCGTCAGACCCTCCACGGGACCAGGGACCAGGGC-3'
Protein context (NP_003739.2, residues 440-460): QEPIMKEEIF[Gly450Arg]PVLSVYVYPD